The following is an entry in ClinVar:

NM_014252.4(SLC25A15):c.191A>T (p.Tyr64Phe)

Gene: SLC25A15 (solute carrier family 25 member 15; plus strand). Cytogenetic location: 13q14.11.
Variant type: single nucleotide variant.
Coding change: c.191A>T on transcript NM_014252.4 (MANE Select); coding-DNA position 191, A replaced by T.
Protein change: p.Tyr64Phe; replaces tyrosine 64 with phenylalanine.
Molecular consequence: missense variant. On other transcripts: non-coding transcript variant (2).
Genome position (GRCh38, 1-based): chr13:40,799,192, A>T. VCF-style: chr13-40799192-A-T. GRCh37 (hg19) VCF-style: chr13-41373328-A-T.
Other names: c.191A>T (NM_014252.3); short protein forms Y64F.
Identifiers: ClinVar variation 1921367 (VCV001921367.3), dbSNP rs769512206, ClinGen allele CA248374304.
Genomic context (GRCh38, chr13:40,799,192, plus strand): 5'-ACCGGGGCCTCACCGACTGCTGCCTGAAGACTTACTCCCAGGTGGGCTTCCGTGGCTTCT[A>T]CAAGGGTACCAGTCCAGCACTAATCGCCAACATCGCTGAGAACTCAGTCCTCTTCATGTG-3'
Protein context (NP_055067.1, residues 54-74): TYSQVGFRGF[Tyr64Phe]KGTSPALIAN

ClinVar aggregate classification (germline): Uncertain significance. Review status: criteria provided, multiple submitters, no conflicts (2 of 4 stars). 2 submissions from 2 submitters: Uncertain significance (2). Last evaluated 2025-12-16.

Conditions:
Inborn genetic diseases. Identifiers: MedGen C0950123, MeSH D030342.
Hyperornithinemia-hyperammonemia-homocitrullinuria syndrome (HHHS). Also called: Ornithine translocase deficiency; HHH SYNDROME. Identifiers: Orphanet 415, MedGen C0268540, MONDO:0009393, OMIM 238970.

Allele frequency attached by ClinVar (database versions not stated): gnomAD 0.00001; TOPMed 0.00001.
gnomAD v4.1: 10 of 1,614,096 alleles (0.00062%); highest among the groups gnomAD compares: Admixed American, 0.0033%; no homozygotes.

Submissions (2):

Ambry Genetics
Classification: Uncertain significance for Inborn genetic diseases. Last evaluated: 2025-12-16. Review status: criteria provided, single submitter. Criteria: Ambry Variant Classification Scheme 2023. Collection method: clinical testing. Allele origin: germline.

Labcorp Genetics (formerly Invitae), Labcorp
Classification: Uncertain significance for Hyperornithinemia-hyperammonemia-homocitrullinuria syndrome. Last evaluated: 2022-07-15. Review status: criteria provided, single submitter. Criteria: Invitae Variant Classification Sherloc (09022015). Collection method: clinical testing. Allele origin: germline.
Comment: This sequence change replaces tyrosine, which is neutral and polar, with phenylalanine, which is neutral and non-polar, at codon 64 of the SLC25A15 protein (p.Tyr64Phe). This variant is present in population databases (no rsID available, gnomAD 0.003%). This variant has not been reported in the literature in individuals affected with SLC25A15-related conditions. Algorithms developed to predict the effect of missense changes on protein structure and function are either unavailable or do not agree on the potential impact of this missense change (SIFT: "Deleterious"; PolyPhen-2: "Probably Damaging"; Align-GVGD: "Class C0"). In summary, the available evidence is currently insufficient to determine the role of this variant in disease. Therefore, it has been classified as a Variant of Uncertain Significance.